The following is an entry in ClinVar:

NM_152750.5(CDHR3):c.1316dup (p.Tyr440fs)

Gene: CDHR3 (cadherin related family member 3; plus strand). Cytogenetic location: 7q22.3.
Variant type: Duplication.
Coding change: c.1316dup on transcript NM_152750.5 (MANE Select); coding-DNA position 1316, one base duplicated (C; older notation c.1316dupC).
Protein change: p.Tyr440fs; shifts the reading frame from tyrosine 440.
Molecular consequence: frameshift variant.
Genome position (GRCh38, 1-based): chr7:106,015,202, C duplicated; the last of 7 consecutive C bases (chr7:106,015,196-106,015,202); duplicating any one gives the same sequence. VCF-style (leftmost placement, unchanged base first): chr7-106015195-G-GC. GRCh37 (hg19) VCF-style: chr7-105655641-G-GC.
Other names: c.1052dup, p.Tyr352fs (NM_001301161.2); short protein forms Y352fs, Y440fs.
Identifiers: ClinVar variation 4880174 (VCV004880174.1).

ClinVar aggregate classification (germline): Likely pathogenic (1 of 4 stars; one submission).

Conditions:
Primary ciliary dyskinesia. Also called: Ciliary dyskinesia. Identifiers: Orphanet 244, MedGen C0008780, MONDO:0016575, HP:0012265.

Submission:

Department of Human Genetics, Hannover Medical School
Classification: Likely pathogenic for Primary Ciliary Dyskinesia. Last evaluated: 2026-04-01. Review status: criteria provided, single submitter. Criteria: ACMG Guidelines, 2015. Collection method: research. Allele origin: germline. Affected: no.
Comment: Classification performed by HerediClassify using the following criteria:['PM2_supporting: Variant occures does not occur as homozygous in gnomAD.', 'PVS1_protein_very_strong: Transcript ENST00000317716 is predicted to undergo NMD.']